The following is an entry in ClinVar:

NM_022336.4(EDAR):c.*1366A>G

Genes: RANBP2 (RAN binding protein 2; plus strand), EDAR (ectodysplasin A receptor; minus strand). Cytogenetic location: 2q13.
Variant type: single nucleotide variant.
Coding change: c.*1366A>G on transcript NM_022336.4 (MANE Select); 1366 bases downstream of the stop codon, A replaced by G.
Molecular consequence: 3 prime UTR variant.
Genome position (GRCh38, 1-based): chr2:108,895,541, T>C on the plus strand (A>G on the coding strand, the complement: EDAR is on the minus strand). VCF-style: chr2-108895541-T-C. GRCh37 (hg19) VCF-style: chr2-109511997-T-C.
Identifiers: ClinVar variation 893244 (VCV000893244.4), dbSNP rs187951842, ClinGen allele CA53463384.

ClinVar aggregate classification (germline): Likely benign (1 of 4 stars; one submission).

Conditions:
Hypohidrotic ectodermal dysplasia (HED). Identifiers: Orphanet 238468, MedGen C5848103, MONDO:0016535, HP:0007607.

Allele frequency attached by ClinVar (database versions not stated): 1000 Genomes Project 0.00160; gnomAD 0.00322 and 0.00318; TOPMed 0.00354; 1000 Genomes Project 30x 0.00172.

Submission:

Illumina Laboratory Services, Illumina
Classification: Likely benign for Hypohidrotic ectodermal dysplasia. Last evaluated: 2018-01-13. Review status: criteria provided, single submitter. Criteria: ICSL Variant Classification Criteria 13 December 2019. Collection method: clinical testing. Allele origin: germline.
Comment: This variant was observed in the ICSL laboratory as part of a predisposition screen in an ostensibly healthy population. It had not been previously curated by ICSL or reported in the Human Gene Mutation Database (HGMD: prior to June 1st, 2018), and was therefore a candidate for classification through an automated scoring system. Utilizing variant allele frequency, disease prevalence and penetrance estimates, and inheritance mode, an automated score was calculated to assess if this variant is too frequent to cause the disease. Based on the score and internal cut-off values, a variant classified as likely benign is not then subjected to further curation. The score for this variant resulted in a classification of likely benign for this disease.